The following is an entry in ClinVar:

NM_001077350.3(NPRL3):c.937G>T (p.Ala313Ser)

Genes: HBA-LCR (alpha-globin locus control region; plus strand), NPRL3 (NPR3 like, GATOR1 complex subunit; minus strand). Cytogenetic location: 16p13.3.
Variant type: single nucleotide variant.
Coding change: c.937G>T on transcript NM_001077350.3 (MANE Select); coding-DNA position 937, G replaced by T.
Protein change: p.Ala313Ser; replaces alanine 313 with serine.
Molecular consequence: missense variant.
Genome position (GRCh38, 1-based): chr16:93,313, C>A on the plus strand (G>T on the coding strand, the complement: NPRL3 is on the minus strand). VCF-style: chr16-93313-C-A. GRCh37 (hg19) VCF-style: chr16-143311-C-A.
Other names: c.400G>T, p.Ala134Ser (NM_001039476.3); c.703G>T, p.Ala235Ser (NM_001243247.2); c.862G>T, p.Ala288Ser (NM_001243248.2, NM_001243249.2); short protein forms A288S, A235S, A313S, A134S.
Identifiers: ClinVar variation 3667203 (VCV003667203.2).

ClinVar aggregate classification (germline): Uncertain significance (1 of 4 stars; one submission).

Conditions:
Epilepsy, familial focal, with variable foci 3 (FFEVF3). Identifiers: MedGen C4310708, MONDO:0014925, OMIM 617118.

Submission:

Labcorp Genetics (formerly Invitae), Labcorp
Classification: Uncertain significance for Epilepsy, familial focal, with variable foci 3. Last evaluated: 2024-09-19. Review status: criteria provided, single submitter. Criteria: Invitae Variant Classification Sherloc (09022015). Collection method: clinical testing. Allele origin: germline.
Comment: This sequence change replaces alanine, which is neutral and non-polar, with serine, which is neutral and polar, at codon 313 of the NPRL3 protein (p.Ala313Ser). This variant is not present in population databases (gnomAD no frequency). This variant has not been reported in the literature in individuals affected with NPRL3-related conditions. Invitae Evidence Modeling of protein sequence and biophysical properties (such as structural, functional, and spatial information, amino acid conservation, physicochemical variation, residue mobility, and thermodynamic stability) indicates that this missense variant is not expected to disrupt NPRL3 protein function with a negative predictive value of 80%. In summary, the available evidence is currently insufficient to determine the role of this variant in disease. Therefore, it has been classified as a Variant of Uncertain Significance.